The following is an entry in ClinVar:

ClinVar aggregate classification (germline): Benign (1 of 4 stars; one submission).

Allele frequency attached by ClinVar (database versions not stated): 1000 Genomes Project 0.22804; 1000 Genomes Project 30x 0.23251; TOPMed 0.32161; gnomAD 0.33448.
gnomAD v4.1: 192,490 of 594,884 alleles (32%); highest among the groups gnomAD compares: Middle Eastern, 41%; 34,437 homozygotes.

Submission:

GeneDx
Classification: Benign. Last evaluated: 2018-06-15. Review status: criteria provided, single submitter. Criteria: GeneDx Variant Classification (06012015). Collection method: clinical testing. Allele origin: germline. Affected: yes.
Comment: This variant is considered likely benign or benign based on one or more of the following criteria: it is a conservative change, it occurs at a poorly conserved position in the protein, it is predicted to be benign by multiple in silico algorithms, and/or has population frequency not consistent with disease.

NM_022114.4(PRDM16):c.676+125G>A

Gene: PRDM16 (PR/SET domain 16; plus strand). Cytogenetic location: 1p36.32.
Variant type: single nucleotide variant.
Coding change: c.676+125G>A on transcript NM_022114.4 (MANE Select); 125 bases into the intron after coding-DNA position 676, G replaced by A.
Molecular consequence: intron variant.
Genome position (GRCh38, 1-based): chr1:3,396,718, G>A. VCF-style: chr1-3396718-G-A. GRCh37 (hg19) VCF-style: chr1-3313282-G-A.
Other names: c.676+125G>A (NM_199454.3).
Identifiers: ClinVar variation 674731 (VCV000674731.1), dbSNP rs7535965, ClinGen allele CA10656186.